The following is an entry in ClinVar:

ClinVar aggregate classification (germline): Uncertain significance. Review status: criteria provided, single submitter (1 of 4 stars). 2 submissions from 2 submitters: Uncertain significance (1). 1 of the submissions does not count toward it. Last evaluated 2025-06-23.

Allele frequency attached by ClinVar (database versions not stated): gnomAD 0.00001; gnomAD exomes below 0.00001.
gnomAD v4.1: 9 of 1,613,998 alleles (0.00056%); highest among the groups gnomAD compares: African/African-American, 0.004%; no homozygotes.

Submissions (2):

Revvity Omics, Revvity
Classification: Uncertain significance. Last evaluated: 2025-06-23. Review status: criteria provided, single submitter. Criteria: ACMG Guidelines, 2015. Collection method: clinical testing. Allele origin: germline.

Department of Pathology and Laboratory Medicine, Sinai Health System
Classification: Uncertain significance. Review status: no assertion criteria provided. Collection method: clinical testing. Allele origin: unknown. Affected: yes. Study: The Canadian Open Genetics Repository (COGR). Not counted in ClinVar's aggregate classification.
Comment: The SYNE1 p.Arg2792Cys variant was not identified in the literature nor was it identified in ClinVar or LOVD 3.0. The variant was identified in dbSNP (ID: rs1249221823) but was not identified in the following control databases: the 1000 Genomes Project, the NHLBI GO Exome Sequencing Project, the Exome Aggregation Consortium (August 8th 2016), or the Genome Aggregation Database (March 6, 2019, v2.1.1). The p.Arg2792 residue is not conserved in mammals and computational analyses (PolyPhen-2, SIFT, AlignGVGD, BLOSUM, MutationTaster) provide inconsistent predictions regarding the impact to the protein; this information is not very predictive of pathogenicity. The variant occurs outside of the splicing consensus sequence and in silico or computational prediction software programs (SpliceSiteFinder, MaxEntScan, NNSPLICE, GeneSplicer) do not predict a difference in splicing at the variant location. In summary, based on the above information the clinical significance of this variant cannot be determined with certainty at this time. This variant is classified as a variant of uncertain significance.

NM_182961.4(SYNE1):c.8374C>T (p.Arg2792Cys)

Gene: SYNE1 (spectrin repeat containing nuclear envelope protein 1; minus strand). Cytogenetic location: 6q25.2.
Variant type: single nucleotide variant.
Coding change: c.8374C>T on transcript NM_182961.4 (MANE Select); coding-DNA position 8374, C replaced by T.
Protein change: p.Arg2792Cys; replaces arginine 2792 with cysteine.
Molecular consequence: missense variant.
Genome position (GRCh38, 1-based): chr6:152,387,185, G>A on the plus strand (C>T on the coding strand, the complement: SYNE1 is on the minus strand). VCF-style: chr6-152387185-G-A. GRCh37 (hg19) VCF-style: chr6-152708320-G-A.
Other names: c.8395C>T, p.Arg2799Cys (NM_033071.5); c.8395C>T (NM_033071.3); short protein forms R2792C, R2799C.
Identifiers: ClinVar variation 1050555 (VCV001050555.2), dbSNP rs1249221823, ClinGen allele CA366146323.
Genomic context (GRCh38, chr6:152,387,185, plus strand): 5'-TGTCCTTGAAAGACTCATCCTCTGTCTTTTCGTAGAGCTCCCTGGACTTCGCAATTAGAC[G>A]GTGAAGGGCTCTCGTGTGATCTTCTGCCTCAGACAGGATGGACTGGAGGTGGTCAAGCAG-3'
Protein context (NP_892006.3, residues 2782-2802): EAEDHTRALH[Arg2792Cys]LIAKSRELYE